The following is an entry in ClinVar:

ClinVar aggregate classification (germline): Benign. Review status: criteria provided, multiple submitters, no conflicts (2 of 4 stars). 7 submissions from 7 submitters: Benign (7). Last evaluated 2026-02-04.

Conditions:
Long QT syndrome (LQTS). Identifiers: MedGen C0023976, MeSH D008133, MONDO:0002442. Disease mechanism: loss of function. Inheritance: Various modes of inheritance.
Timothy syndrome (TS). Also called: LONG QT SYNDROME WITH SYNDACTYLY. Identifiers: Orphanet 65283, MedGen C1832916, MeSH C536962, MONDO:0010979, OMIM 601005.

Allele frequency attached by ClinVar (database versions not stated): gnomAD exomes 0.25036 and 0.25235; ESP Exome Variant Server 0.25094; 1000 Genomes Project 30x 0.26062; 1000 Genomes Project 0.26258; gnomAD 0.27018 and 0.27158; TOPMed 0.27146; ExAC 0.28780.
gnomAD v4.1: 379,346 of 1,502,654 alleles (25%); highest among the groups gnomAD compares: African/African-American, 33%; 49,086 homozygotes.

Submissions (7):

Labcorp Genetics (formerly Invitae), Labcorp
Classification: Benign for Long QT syndrome. Last evaluated: 2026-02-04. Review status: criteria provided, single submitter. Criteria: Invitae Variant Classification Sherloc (09022015). Collection method: clinical testing. Allele origin: germline.

Blueprint Genetics
Classification: Benign. Last evaluated: 2024-11-27. Review status: criteria provided, single submitter. Criteria: ACMG Guidelines, 2015. Collection method: clinical testing. Allele origin: germline.

Genome-Nilou Lab
Classification: Benign for Timothy syndrome. Last evaluated: 2021-07-14. Review status: criteria provided, single submitter. Criteria: ACMG Guidelines, 2015. Collection method: clinical testing. Allele origin: germline. Affected: no.

Eurofins Ntd Llc (ga)
Classification: Benign. Last evaluated: 2013-07-23. Review status: criteria provided, single submitter. Criteria: EGL Classification Definitions 2015. Collection method: clinical testing. Allele origin: germline. Observed: 6 variant alleles, 5 heterozygotes, 1 homozygote.

GeneDx
Classification: Benign. Last evaluated: 2011-07-10. Review status: criteria provided, single submitter. Criteria: GeneDx Variant Classification (06012015). Collection method: clinical testing. Allele origin: germline. Affected: yes.
Comment: This variant is considered likely benign or benign based on one or more of the following criteria: it is a conservative change, it occurs at a poorly conserved position in the protein, it is predicted to be benign by multiple in silico algorithms, and/or has population frequency not consistent with disease.

Breakthrough Genomics
Classification: Benign. Review status: criteria provided, single submitter. Criteria: ACMG Guidelines, 2015. Collection method: not provided. Allele origin: germline. Inheritance: Autosomal dominant inheritance. Affected: yes.

PreventionGenetics, part of Exact Sciences
Classification: Benign. Review status: criteria provided, single submitter. Criteria: ACMG Guidelines, 2015. Collection method: clinical testing. Allele origin: germline.

NM_000719.7(CACNA1C):c.617+19T>C

Gene: CACNA1C (calcium voltage-gated channel subunit alpha1 C; plus strand). Cytogenetic location: 12p13.33.
Variant type: single nucleotide variant.
Coding change: c.617+19T>C on transcript NM_000719.7 (MANE Select); 19 bases into the intron after coding-DNA position 617, T replaced by C.
Molecular consequence: intron variant.
Genome position (GRCh38, 1-based): chr12:2,449,134, T>C. VCF-style: chr12-2449134-T-C. GRCh37 (hg19) VCF-style: chr12-2558300-T-C.
Other names: c.617+19T>C (NM_001167624.3, NM_001167623.2, NM_001167625.2 and 19 more transcripts).
Identifiers: ClinVar variation 93421 (VCV000093421.18), dbSNP rs1544516, ClinGen allele CA285407.
Genomic context (GRCh38, chr12:2,449,134, plus strand): 5'-CAACGGCTGGAACCTACTAGATTTTATAATTGTGGTTGTGGGGTAAGTATCACTGTCTGT[T>C]TCTTTCCCTTTATCTTACCAGTGTTGCGGGACTTTTCCTTAAGTCAGCTGAAGACAGGGT-3'